The following is an entry in ClinVar:

ClinVar aggregate classification (germline): Uncertain significance. Review status: criteria provided, multiple submitters, no conflicts (2 of 4 stars). 2 submissions from 2 submitters: Uncertain significance (2). Last evaluated 2022-12-23.

Conditions:
Hypertrophic cardiomyopathy. Also called: HYPERTROPHIC MYOCARDIOPATHY. Identifiers: Orphanet 217569, MedGen C0007194, MeSH D002312, MONDO:0005045, HP:0001639.
Inborn genetic diseases. Identifiers: MedGen C0950123, MeSH D030342.

Allele frequency attached by ClinVar (database versions not stated): ExAC 0.00005; ESP Exome Variant Server 0.00008; gnomAD 0.00009; TOPMed 0.00012; gnomAD exomes 0.00028.
gnomAD v4.1: 442 of 1,588,904 alleles (0.028%); highest among the groups gnomAD compares: Non-Finnish European, 0.035%; no homozygotes.

Submissions (2):

Molecular Genetics, Royal Melbourne Hospital
Classification: Uncertain significance for Hypertrophic cardiomyopathy. Last evaluated: 2022-12-23. Review status: criteria provided, single submitter. Criteria: ACMG Guidelines, 2015. Collection method: clinical testing. Allele origin: germline. Affected: yes.
Comment: This sequence change in FHOD3 is predicted to replace serine with proline at codon 603, p.(Ser603Pro). The serine residue is moderately conserved (71/77 vertebrates, UCSC), and is not located in an annotated domain. There is a moderate physicochemical difference between serine and proline. The highest population minor allele frequency in the population database gnomAD v2.1 is 0.01% (17/118,998 alleles) in the European (non-Finnish) population. To our knowledge, this variant has not been reported in the relevant scientific literature. Multiple lines of computational evidence predict a benign effect for the missense substitution (5/5 algorithms). Based on the classification scheme RMH Modified ACMG Guidelines v1.5.1, this variant is classified as a VARIANT OF UNCERTAIN SIGNIFICANCE. Following criteria are met: BP4.

Ambry Genetics
Classification: Uncertain significance for Inborn genetic diseases. Last evaluated: 2021-09-01. Review status: criteria provided, single submitter. Criteria: Ambry Variant Classification Scheme 2023. Collection method: clinical testing. Allele origin: germline.

NM_001281740.3(FHOD3):c.1807T>C (p.Ser603Pro)

Gene: FHOD3 (formin homology 2 domain containing 3; plus strand). Cytogenetic location: 18q12.2.
Variant type: single nucleotide variant.
Coding change: c.1807T>C on transcript NM_001281740.3 (MANE Select); coding-DNA position 1807, T replaced by C.
Protein change: p.Ser603Pro; replaces serine 603 with proline.
Molecular consequence: missense variant.
Genome position (GRCh38, 1-based): chr18:36,658,160, T>C. VCF-style: chr18-36658160-T-C. GRCh37 (hg19) VCF-style: chr18-34238123-T-C.
Other names: c.1282T>C, p.Ser428Pro (NM_001281739.3, NM_025135.5); short protein forms S428P, S603P.
Identifiers: ClinVar variation 2379237 (VCV002379237.3), dbSNP rs144428734, ClinGen allele CA8941653.